The following is an entry in ClinVar:

ClinVar aggregate classification (germline): Uncertain significance (1 of 4 stars; one submission).

Conditions:
Facioscapulohumeral muscular dystrophy 2 (FSHD2). Also called: MUSCULAR DYSTROPHY, FACIOSCAPULOHUMERAL, TYPE 1B; FSHD2, DIGENIC; FACIOSCAPULOHUMERAL MUSCULAR DYSTROPHY 2, DIGENIC. Identifiers: Orphanet 269, MedGen C1834671, MONDO:0008031, OMIM 158901.

Allele frequency attached by ClinVar (database versions not stated): gnomAD exomes below 0.00001.
gnomAD v4.1: 2 of 1,602,944 alleles (0.00012%); highest among the groups gnomAD compares: Non-Finnish European, 0.00017%; no homozygotes.

Submission:

Labcorp Genetics (formerly Invitae), Labcorp
Classification: Uncertain significance for Facioscapulohumeral muscular dystrophy 2. Last evaluated: 2023-02-16. Review status: criteria provided, single submitter. Criteria: Invitae Variant Classification Sherloc (09022015). Collection method: clinical testing. Allele origin: germline.
Comment: This sequence change replaces glycine, which is neutral and non-polar, with cysteine, which is neutral and slightly polar, at codon 1465 of the SMCHD1 protein (p.Gly1465Cys). This variant is not present in population databases (gnomAD no frequency). This variant has not been reported in the literature in individuals affected with SMCHD1-related conditions. Advanced modeling of protein sequence and biophysical properties (such as structural, functional, and spatial information, amino acid conservation, physicochemical variation, residue mobility, and thermodynamic stability) performed at Invitae indicates that this missense variant is not expected to disrupt SMCHD1 protein function. Algorithms developed to predict the effect of sequence changes on RNA splicing suggest that this variant may disrupt the consensus splice site. In summary, the available evidence is currently insufficient to determine the role of this variant in disease. Therefore, it has been classified as a Variant of Uncertain Significance.

NM_015295.3(SMCHD1):c.4393G>T (p.Gly1465Cys)

Gene: SMCHD1 (structural maintenance of chromosomes flexible hinge domain containing 1; plus strand). Cytogenetic location: 18p11.32.
Variant type: single nucleotide variant.
Coding change: c.4393G>T on transcript NM_015295.3 (MANE Select); coding-DNA position 4393, G replaced by T.
Protein change: p.Gly1465Cys; replaces glycine 1465 with cysteine.
Molecular consequence: missense variant.
Genome position (GRCh38, 1-based): chr18:2,760,698, G>T. VCF-style: chr18-2760698-G-T. GRCh37 (hg19) VCF-style: chr18-2760696-G-T.
Other names: short protein forms G1465C.
Identifiers: ClinVar variation 2838255 (VCV002838255.3), dbSNP rs2510134921, ClinGen allele CA401694513.
Genomic context (GRCh38, chr18:2,760,698, plus strand): 5'-TCTTTTAAATTTAGGGATAAAGTAATTCCTAATAAAGTGGGGACATATTGTATCCAGTTT[G>T]GTTTTATGATGGATAAAACAAATATTCTCAACAGTGAACAGGTTTGCTTACTTTTTTTAT-3'
Protein context (NP_056110.2, residues 1455-1475): NKVGTYCIQF[Gly1465Cys]FMMDKTNILN